The following is an entry in ClinVar:

NM_000276.4(OCRL):c.825-8T>C

Gene: OCRL (OCRL inositol polyphosphate-5-phosphatase; plus strand). Cytogenetic location: Xq26.1.
Variant type: single nucleotide variant.
Coding change: c.825-8T>C on transcript NM_000276.4 (MANE Select); 8 bases into the intron before coding-DNA position 825, T replaced by C.
Molecular consequence: intron variant.
Genome position (GRCh38, 1-based): chrX:129,561,171, T>C. VCF-style: chrX-129561171-T-C. GRCh37 (hg19) VCF-style: chrX-128695148-T-C.
Other names: c.828-8T>C (NM_001318784.2); c.825-8T>C (NM_001587.4).
Identifiers: ClinVar variation 1762643 (VCV001762643.2), dbSNP rs2521885212, ClinGen allele CA2580100316.
Genomic context (GRCh38, chrX:129,561,171, plus strand): 5'-TATGGGACAGGAGGTAGCCAGAGATAATTATGGGATATGTATAGATCTCATATCCCTTTT[T>C]TCCTCAGATTCCAAGAACTGGACTTGAGCACAGAAGCCTTCTTCTACTTTGAATCTGTGA-3'

ClinVar aggregate classification (germline): Uncertain significance (1 of 4 stars; one submission).

Conditions:
Nephrolithiasis/nephrocalcinosis. Identifiers: MedGen CN580796.

Submission:

Ambry Genetics
Classification: Uncertain significance for Nephrolithiasis/nephrocalcinosis. Last evaluated: 2015-06-11. Review status: criteria provided, single submitter. Criteria: Ambry Variant Classification Scheme 2023. Collection method: clinical testing. Allele origin: germline.
Comment: The c.825-8T>C intronic variant results from a T to C substitution 8 nucleotides upstream from coding exon 10 in the OCRL gene. This variant was not reported in population based cohorts in the following databases: Database of Single Nucleotide Polymorphisms (dbSNP), NHLBI Exome Sequencing Project (ESP), and 1000 Genomes Project. In the ESP, this variant was not observed in 6503 samples with coverage at this position. This nucleotide position is not well conserved in available vertebrates and cytosine is the reference nucleotide in multiple species. Using the BDGP and ESEfinder splice site prediction tools, this alteration is not predicted to have any significant effect on this acceptor splice site; however, direct evidence is unavailable. Since supporting evidence is limited at this time, the clinical significance of this variant remains unclear.